The following is an entry in ClinVar:

NM_022552.5(DNMT3A):c.901C>T (p.Arg301Trp)

Gene: DNMT3A (DNA methyltransferase 3 alpha; minus strand). Cytogenetic location: 2p23.3.
Variant type: single nucleotide variant.
Coding change: c.901C>T on transcript NM_022552.5 (MANE Select); coding-DNA position 901, C replaced by T.
Protein change: p.Arg301Trp; replaces arginine 301 with tryptophan.
Molecular consequence: missense variant. On other transcripts: non-coding transcript variant (1).
Genome position (GRCh38, 1-based): chr2:25,247,704, G>A on the plus strand (C>T on the coding strand, the complement: DNMT3A is on the minus strand). VCF-style: chr2-25247704-G-A. GRCh37 (hg19) VCF-style: chr2-25470573-G-A.
Other names: c.445C>T, p.Arg149Trp (NM_001320893.1); c.232C>T, p.Arg78Trp (NM_001375819.1); c.334C>T, p.Arg112Trp (NM_153759.3); c.901C>T, p.Arg301Trp (NM_175629.2); short protein forms R112W, R301W, R149W, R78W.
Identifiers: ClinVar variation 432039 (VCV000432039.11), dbSNP rs1553414070, ClinGen allele CA346075193.
Genomic context (GRCh38, chr2:25,247,704, plus strand): 5'-CTCGGCTCCGGCCCGTCATCCACCAAGACACAATGCGGCCTGGCCACCAGGAGAAGCCCC[G>A]CAGTTTCCCCCACACCAGCTCCCCAATGCCAAAGCCCCGGCCGTCCTGGAGCCCCAAGGA-3'
Protein context (NP_072046.2, residues 291-311): GIGELVWGKL[Arg301Trp]GFSWWPGRIV

ClinVar aggregate classification (germline): Conflicting classifications of pathogenicity. Review status: criteria provided, conflicting classifications (1 of 4 stars). 3 submissions from 3 submitters: Pathogenic (1); Likely pathogenic (1); Uncertain significance (1). Last evaluated 2026-07-09.
ClinVar aggregate classification (somatic clinical impact): Tier II - Potential (1 of 4 stars; one submission).

Conditions:
DNMT3A-associated disorder.
Inborn genetic diseases. Identifiers: MedGen C0950123, MeSH D030342.
Meningioma. Also called: Meningioma, somatic. Identifiers: Orphanet 2495, MedGen C0025286, MONDO:0016642, HP:0002858.

gnomAD v4.1: 5 of 1,613,128 alleles (0.00031%); highest among the groups gnomAD compares: African/African-American, 0.0013%; no homozygotes.

Submissions (4):

MVZ Martinsried, Medicover Genetics
Classification: Uncertain significance for DNMT3A-associated disorder. Last evaluated: 2026-07-09. Review status: criteria provided, single submitter. Criteria: ClinGen Variant Curation SOP V3.2 + Classification Guidance July2025. Collection method: clinical testing. Allele origin: inherited. Affected: yes. Observed: 1 heterozygote.

Ambry Genetics
Classification: Likely pathogenic for Inborn genetic diseases. Last evaluated: 2025-09-26. Review status: criteria provided, single submitter. Criteria: Ambry Variant Classification Scheme 2023. Collection method: clinical testing. Allele origin: germline.
Comment: The c.901C>T (p.R301W) alteration is located in exon 8 (coding exon 7) of the DNMT3A gene. This alteration results from a C to T substitution at nucleotide position 901, causing the arginine (R) at amino acid position 301 to be replaced by a tryptophan (W). for Tatton-Brown-Rahman syndrome; however, its clinical significance for Heyn-Sproul-Jackson syndrome is uncertain. This variant was not reported in population-based cohorts in the Genome Aggregation Database (gnomAD). This variant was reported in individual(s) with features consistent with Tatton-Brown-Rahman syndrome; in at least one individual, it was determined to be de novo (Tatton-Brown, 2018; Smith, 2021; DECIPHER). This amino acid position is highly conserved in available vertebrate species. The p.R301 amino acid is located in the PWWP domain of the DNMT3A protein, which spans 143 amino acid residues (Qiu, 2002). The PWWP domain is named after a highly conserved proline-tryptophan-tryptophan-proline motif, but in DNMT3A and DNMT3B, this motif consists of serine-tryptophan-tryptophan-proline (amino acid residues 304-307). Disruption of the PWWP domains in DNMT3A and DNMT3B prevents the association with heterochromatin and abolishes their methylation ability, suggesting that the PWWP domain plays an important role in the functional specialization of DNMT3A (Chen, 2004). In multiple assays testing DNMT3A function, this variant showed functionally abnormal results (Lue, 2023). This alteration is predicted to be deleterious by in silico analysis. Based on the available evidence, this alteration is classified as likely pathogenic.

Institute for Genomic Medicine (IGM) Clinical Laboratory, Nationwide Children's Hospital
Classification: Tier II - Potential for Meningioma. Assertion type: diagnostic. Clinical significance: supports diagnosis. Last evaluated: 2023-10-10. Review status: criteria provided, single submitter. Criteria: AMP/ASCO/CAP Guidelines, 2017. Collection method: clinical testing. Allele origin: somatic. Affected: yes.
Comment: Variant has Tier II (potential) clinical significance as a diagnostic inclusion criterion in meningioma, based on the following evidence: 1) Documented in one or more cancer databases (e.g., St. Jude Pecan, COSMIC, CIViC, OncoKB). 2) Information in the literature supports potential biologic effect of variant (PMID: 34429321). 3) Assists in diagnosis alone or along with other biomarkers based on small studies or few case reports (Evidence Level D; PMID: 23031157).

GeneDx
Classification: Pathogenic. Last evaluated: 2022-10-13. Review status: criteria provided, single submitter. Criteria: GeneDx Variant Classification Process June 2021. Collection method: clinical testing. Allele origin: germline. Affected: yes.
Comment: Not observed at significant frequency in large population cohorts (gnomAD); In silico analysis supports that this missense variant has a deleterious effect on protein structure/function; This variant is associated with the following publications: (PMID: 29900417)

Literature cited by the submitters: PubMed 11836534 (cited by Ambry Genetics); PubMed 15456878 (cited by Ambry Genetics); PubMed 29900417 (cited by Ambry Genetics); PubMed 34315901 (cited by Ambry Genetics); PubMed 36266353 (cited by Ambry Genetics); PubMed 34429321 (cited by Institute for Genomic Medicine (IGM) Clinical Laboratory, Nationwide Children's Hospital); PubMed 23031157 (cited by Institute for Genomic Medicine (IGM) Clinical Laboratory, Nationwide Children's Hospital).